The following is an entry in ClinVar:

ClinVar aggregate classification (germline): Likely benign (1 of 4 stars; one submission).

Submission:

CeGaT Center for Human Genetics Tuebingen
Classification: Likely benign. Last evaluated: 2023-01-01. Review status: criteria provided, single submitter. Criteria: CeGaT Center For Human Genetics Tuebingen Variant Classification Criteria Version 2. Collection method: clinical testing. Allele origin: germline. Affected: yes. Observed: 1 variant allele.
Comment: PORCN: PM2:Supporting, BP4, BP7

NM_203475.3(PORCN):c.616C>T (p.Leu206=)

Gene: PORCN (porcupine O-acyltransferase; plus strand). Cytogenetic location: Xp11.23.
Variant type: single nucleotide variant.
Coding change: c.616C>T on transcript NM_203475.3 (MANE Select); coding-DNA position 616, C replaced by T.
Protein change: p.Leu206=; no amino-acid change (leucine 206 retained).
Molecular consequence: synonymous variant.
Genome position (GRCh38, 1-based): chrX:48,512,649, C>T. VCF-style: chrX-48512649-C-T. GRCh37 (hg19) VCF-style: chrX-48371037-C-T.
Other names: c.403C>T, p.Leu135= (NM_001282167.2); c.616C>T, p.Leu206= (NM_022825.4, NM_203473.3, NM_203474.1).
Identifiers: ClinVar variation 2660453 (VCV002660453.24), dbSNP rs2519454853, ClinGen allele CA516011881.